The following is an entry in ClinVar:

ClinVar aggregate classification (germline): Benign. Review status: criteria provided, multiple submitters, no conflicts (2 of 4 stars). 6 submissions from 2 submitters: Benign (6). Last evaluated 2018-01-13.

Conditions:
Congenital myasthenic syndrome 16. Identifiers: Orphanet 590, MedGen C3280112, MONDO:0013620, OMIM 614198.
Hypokalemic periodic paralysis, type 2 (HOKPP2). Identifiers: Orphanet 681, MedGen C2750061, MONDO:0013234, OMIM 613345.
Paramyotonia congenita of Von Eulenburg. Also called: Paramyotonia Congenita; PARALYSIS PERIODICA PARAMYOTONICA; Eulenburg disease; Myotonia congenita intermittens; Von Eulenburg paramyotonia congenita. Identifiers: Orphanet 684, MedGen C0221055, MONDO:0008195, OMIM 168300. Disease mechanism: loss of function.
Potassium-aggravated myotonia. Also called: Myotonia congenita, atypical, acetazolamide-responsive; MYOTONIA CONGENITA, ACETAZOLAMIDE-RESPONSIVE; MYOTONIA CONGENITA, ATYPICAL; SODIUM CHANNEL MUSCLE DISEASE. Identifiers: Orphanet 612, Orphanet 99734, Orphanet 99735, Orphanet 99736, MedGen C2931826, MONDO:0018959, OMIM 608390.
Hyperkalemic periodic paralysis. Also called: Familial hyperkalemic periodic paralysis; Gamstorp disease. Identifiers: Orphanet 682, MedGen C0238357, MONDO:0008224, OMIM 170500, HP:0007215.

Allele frequency attached by ClinVar (database versions not stated): gnomAD 0.66444 and 0.67728; 1000 Genomes Project 0.59605; gnomAD exomes 0.75806; 1000 Genomes Project 30x 0.59822; TOPMed 0.66981.

Submissions (6):

Illumina Laboratory Services, Illumina
Classification: Benign for Hypokalemic periodic paralysis, type 2. Last evaluated: 2018-01-13. Review status: criteria provided, single submitter. Criteria: ICSL Variant Classification Criteria 13 December 2019. Collection method: clinical testing. Allele origin: germline.
Comment: This variant was observed in the ICSL laboratory as part of a predisposition screen in an ostensibly healthy population. It had not been previously curated by ICSL or reported in the Human Gene Mutation Database (HGMD: prior to June 1st, 2018), and was therefore a candidate for classification through an automated scoring system. Utilizing variant allele frequency, disease prevalence and penetrance estimates, and inheritance mode, an automated score was calculated to assess if this variant is too frequent to cause the disease. Based on the score and internal cut-off values, a variant classified as benign is not then subjected to further curation. The score for this variant resulted in a classification of benign for this disease.

Illumina Laboratory Services, Illumina
Classification: Benign for Hyperkalemic periodic paralysis. Last evaluated: 2018-01-13. Review status: criteria provided, single submitter. Criteria: ICSL Variant Classification Criteria 13 December 2019. Collection method: clinical testing. Allele origin: germline.
Comment: the same text as in the submission from Illumina Laboratory Services, Illumina above.

Illumina Laboratory Services, Illumina
Classification: Benign for Congenital myasthenic syndrome 16. Last evaluated: 2018-01-13. Review status: criteria provided, single submitter. Criteria: ICSL Variant Classification Criteria 13 December 2019. Collection method: clinical testing. Allele origin: germline.
Comment: the same text as in the submission from Illumina Laboratory Services, Illumina above.

Illumina Laboratory Services, Illumina
Classification: Benign for Potassium-aggravated myotonia. Last evaluated: 2018-01-13. Review status: criteria provided, single submitter. Criteria: ICSL Variant Classification Criteria 13 December 2019. Collection method: clinical testing. Allele origin: germline.
Comment: the same text as in the submission from Illumina Laboratory Services, Illumina above.

Illumina Laboratory Services, Illumina
Classification: Benign for Paramyotonia congenita of Von Eulenburg. Last evaluated: 2018-01-13. Review status: criteria provided, single submitter. Criteria: ICSL Variant Classification Criteria 13 December 2019. Collection method: clinical testing. Allele origin: germline.
Comment: the same text as in the submission from Illumina Laboratory Services, Illumina above.

Breakthrough Genomics
Classification: Benign. Review status: criteria provided, single submitter. Criteria: ACMG Guidelines, 2015. Collection method: not provided. Allele origin: germline. Inheritance: Autosomal recessive inheritance. Affected: yes.

NM_000334.4(SCN4A):c.*710T>C

Genes: GH-LCR (growth hormone locus control region; plus strand), SCN4A (sodium voltage-gated channel alpha subunit 4; minus strand). Cytogenetic location: 17q23.3.
Variant type: single nucleotide variant.
Coding change: c.*710T>C on transcript NM_000334.4 (MANE Select); 710 bases downstream of the stop codon, T replaced by C.
Molecular consequence: 3 prime UTR variant.
Genome position (GRCh38, 1-based): chr17:63,940,061, A>G on the plus strand (T>C on the coding strand, the complement: SCN4A is on the minus strand). VCF-style: chr17-63940061-A-G. GRCh37 (hg19) VCF-style: chr17-62017421-A-G.
Identifiers: ClinVar variation 324494 (VCV000324494.6), dbSNP rs2532111, ClinGen allele CA10646436.